The following is an entry in ClinVar:

ClinVar aggregate classification (germline): Likely pathogenic (1 of 4 stars; one submission).

Conditions:
Muscular dystrophy. Identifiers: Orphanet 98473, MedGen C0026850, MeSH D009136, MONDO:0020121, HP:0003560.

Submission:

Dubai Health Genomic Medicine Center, Dubai Health
Classification: Likely pathogenic for Muscular dystrophy. Last evaluated: 2024-10-04. Review status: criteria provided, single submitter. Criteria: ACMG Guidelines, 2015. Collection method: research. Allele origin: germline. Affected: yes.
Comment: PVS1,PM2

NM_001267550.2(TTN):c.11861dup (p.Ala3955fs)

Gene: TTN (titin; minus strand). Cytogenetic location: 2q31.2.
Variant type: Duplication.
Coding change: c.11861dup on transcript NM_001267550.2 (MANE Select); coding-DNA position 11861, one base duplicated (C; older notation c.11861dupC).
Protein change: p.Ala3955fs; shifts the reading frame from alanine 3955.
Molecular consequence: frameshift variant. On other transcripts: intron variant (1).
Genome position (GRCh38, 1-based): chr2:178,741,372, G duplicated on the plus strand (C on the coding strand, the reverse complement: TTN is on the minus strand); the first of 2 consecutive G bases (chr2:178,741,372-178,741,373); duplicating either gives the same sequence. VCF-style (leftmost placement, unchanged base first): chr2-178741371-A-AG. GRCh37 (hg19) VCF-style: chr2-179606098-A-AG.
Other names: c.10910dup, p.Ala3638fs (NM_001256850.1); c.10772dup, p.Ala3592fs (NM_003319.4); c.11147dup, p.Ala3717fs (NM_133432.3); c.11348dup, p.Ala3784fs (NM_133437.4); c.10361-3012dup (NM_133378.4); short protein forms A3592fs, A3638fs, A3717fs, A3784fs, A3955fs.
Identifiers: ClinVar variation 3384049 (VCV003384049.1).